The following is an entry in ClinVar:

ClinVar aggregate classification (germline): Uncertain significance (1 of 4 stars; one submission).

Conditions:
Vici syndrome (VICIS). Identifiers: Orphanet 1493, MedGen C1855772, MONDO:0009452, OMIM 242840.

Submission:

Labcorp Genetics (formerly Invitae), Labcorp
Classification: Uncertain significance for Vici syndrome. Last evaluated: 2025-08-05. Review status: criteria provided, single submitter. Criteria: Invitae Variant Classification Sherloc (09022015). Collection method: clinical testing. Allele origin: germline.
Comment: This sequence change replaces arginine, which is basic and polar, with glycine, which is neutral and non-polar, at codon 690 of the EPG5 protein (p.Arg690Gly). This variant is not present in population databases (gnomAD no frequency). This variant has not been reported in the literature in individuals affected with EPG5-related conditions. Invitae Evidence Modeling of protein sequence and biophysical properties (such as structural, functional, and spatial information, amino acid conservation, physicochemical variation, residue mobility, and thermodynamic stability) indicates that this missense variant is expected to disrupt EPG5 protein function with a positive predictive value of 80%. In summary, the available evidence is currently insufficient to determine the role of this variant in disease. Therefore, it has been classified as a Variant of Uncertain Significance.

NM_020964.3(EPG5):c.2068A>G (p.Arg690Gly)

Gene: EPG5 (ectopic P-granules 5 autophagy tethering factor; minus strand). Cytogenetic location: 18q21.1.
Variant type: single nucleotide variant.
Coding change: c.2068A>G on transcript NM_020964.3 (MANE Select); coding-DNA position 2068, A replaced by G.
Protein change: p.Arg690Gly; replaces arginine 690 with glycine.
Molecular consequence: missense variant.
Genome position (GRCh38, 1-based): chr18:45,939,631, T>C on the plus strand (A>G on the coding strand, the complement: EPG5 is on the minus strand). VCF-style: chr18-45939631-T-C. GRCh37 (hg19) VCF-style: chr18-43519597-T-C.
Other names: c.2068A>G, p.Arg690Gly (NM_001410858.1, NM_001410859.1); short protein forms R690G.
Identifiers: ClinVar variation 4740076 (VCV004740076.1).